The following is an entry in ClinVar:

ClinVar aggregate classification (germline): Uncertain significance (1 of 4 stars; one submission).

gnomAD v4.1: 1 of 1,613,692 alleles (0.000062%); highest among the groups gnomAD compares: Non-Finnish European, 0.000085%; no homozygotes.

Submission:

CeGaT Center for Human Genetics Tuebingen
Classification: Uncertain significance. Last evaluated: 2025-07-01. Review status: criteria provided, single submitter. Criteria: CeGaT Center For Human Genetics Tuebingen Variant Classification Criteria Version 2. Collection method: clinical testing. Allele origin: germline. Affected: yes. Observed: 1 variant allele.
Comment: SPG11: PM2:Supporting

NM_025137.4(SPG11):c.3489C>G (p.Gly1163=)

Gene: SPG11 (SPG11 vesicle trafficking associated, spatacsin; minus strand). Cytogenetic location: 15q21.1.
Variant type: single nucleotide variant.
Coding change: c.3489C>G on transcript NM_025137.4 (MANE Select); coding-DNA position 3489, C replaced by G.
Protein change: p.Gly1163=; no amino-acid change (glycine 1163 retained).
Molecular consequence: synonymous variant.
Genome position (GRCh38, 1-based): chr15:44,606,056, G>C on the plus strand (C>G on the coding strand, the complement: SPG11 is on the minus strand). VCF-style: chr15-44606056-G-C. GRCh37 (hg19) VCF-style: chr15-44898254-G-C.
Other names: c.3489C>G, p.Gly1163= (NM_001160227.2, NM_001411132.1).
Identifiers: ClinVar variation 4084561 (VCV004084561.8).